The following is an entry in ClinVar:

NM_000038.6(APC):c.7898G>A (p.Gly2633Asp)

Gene: APC (APC regulator of Wnt signaling pathway; plus strand). Cytogenetic location: 5q22.2.
Variant type: single nucleotide variant.
Coding change: c.7898G>A on transcript NM_000038.6 (MANE Select); coding-DNA position 7898, G replaced by A.
Protein change: p.Gly2633Asp; replaces glycine 2633 with aspartic acid.
Molecular consequence: missense variant. On other transcripts: non-coding transcript variant (2).
Genome position (GRCh38, 1-based): chr5:112,843,492, G>A. VCF-style: chr5-112843492-G-A. GRCh37 (hg19) VCF-style: chr5-112179189-G-A.
Other names: c.7721G>A, p.Gly2574Asp (NM_001354901.2, NM_001407453.1); c.7595G>A, p.Gly2532Asp (NM_001354903.2, NM_001407458.1, NM_001407459.1 and 1 more transcripts); c.7418G>A, p.Gly2473Asp (NM_001354905.2); c.7049G>A, p.Gly2350Asp (NM_001354906.2, NM_001407470.1); c.7520G>A, p.Gly2507Asp (NM_001354904.2); c.7625G>A, p.Gly2542Asp (NM_001354902.2); c.7898G>A, p.Gly2633Asp (NM_001127510.3, NM_001354895.2, NM_001407450.1); c.7844G>A, p.Gly2615Asp (NM_001127511.3); and 11 more; short protein forms G2249D, G2350D, G2473D, G2504D, G2507D, G2532D, G2542D, G2550D.
Identifiers: ClinVar variation 3231587 (VCV003231587.4), dbSNP rs1766594323, ClinGen allele CA16038486.

ClinVar aggregate classification (germline): Uncertain significance. Review status: criteria provided, multiple submitters, no conflicts (2 of 4 stars). 3 submissions from 3 submitters: Uncertain significance (3). Last evaluated 2025-09-03.

Conditions:
Hereditary cancer-predisposing syndrome. Also called: Neoplastic Syndromes, Hereditary; Tumor predisposition; Hereditary neoplastic syndrome; Hereditary Cancer Syndrome. Identifiers: Orphanet 140162, MedGen C0027672, MeSH D009386, MONDO:0015356.
Familial adenomatous polyposis 1 (FAP1). Also called: POLYPOSIS, ADENOMATOUS INTESTINAL; FAMILIAL ADENOMATOUS POLYPOSIS 1, ATTENUATED. Identifiers: MedGen C2713442, MONDO:0021056, OMIM 175100. Disease mechanism: loss of function.

Submissions (3):

Color Diagnostics, LLC DBA Color Health
Classification: Uncertain significance for Hereditary cancer-predisposing syndrome. Last evaluated: 2025-09-03. Review status: criteria provided, single submitter. Criteria: ACMG Guidelines, 2015. Collection method: clinical testing. Allele origin: germline.
Comment: This missense variant replaces glycine with aspartic acid at codon 2633 of the APC protein. Computational prediction suggests that this variant may not impact protein structure and function. To our knowledge, functional studies have not been reported for this variant. This variant has not been reported in individuals affected with APC-related disorders in the literature. This variant has not been identified in the general population by the Genome Aggregation Database (gnomAD). The available evidence is insufficient to determine the role of this variant in disease conclusively. Therefore, this variant is classified as a Variant of Uncertain Significance.

Labcorp Genetics (formerly Invitae), Labcorp
Classification: Uncertain significance for Familial adenomatous polyposis 1. Last evaluated: 2024-11-07. Review status: criteria provided, single submitter. Criteria: Invitae Variant Classification Sherloc (09022015). Collection method: clinical testing. Allele origin: germline.
Comment: This sequence change replaces glycine, which is neutral and non-polar, with aspartic acid, which is acidic and polar, at codon 2633 of the APC protein (p.Gly2633Asp). This variant is not present in population databases (gnomAD no frequency). This variant has not been reported in the literature in individuals affected with APC-related conditions. ClinVar contains an entry for this variant (Variation ID: 3231587). Invitae Evidence Modeling of protein sequence and biophysical properties (such as structural, functional, and spatial information, amino acid conservation, physicochemical variation, residue mobility, and thermodynamic stability) indicates that this missense variant is not expected to disrupt APC protein function with a negative predictive value of 95%. In summary, the available evidence is currently insufficient to determine the role of this variant in disease. Therefore, it has been classified as a Variant of Uncertain Significance.

Ambry Genetics
Classification: Uncertain significance for Hereditary cancer-predisposing syndrome. Last evaluated: 2024-02-07. Review status: criteria provided, single submitter. Criteria: Ambry Variant Classification Scheme 2023. Collection method: clinical testing. Allele origin: germline.
Comment: The p.G2633D variant (also known as c.7898G>A), located in coding exon 15 of the APC gene, results from a G to A substitution at nucleotide position 7898. The glycine at codon 2633 is replaced by aspartic acid, an amino acid with similar properties. This amino acid position is well conserved in available vertebrate species. In addition, in silico predictors for this gene do not accurately predict pathogenicity. Based on the available evidence, the clinical significance of this alteration remains unclear.